The following is an entry in ClinVar:

ClinVar aggregate classification (germline): Conflicting classifications of pathogenicity. Review status: criteria provided, conflicting classifications (1 of 4 stars). 2 submissions from 2 submitters: Uncertain significance (1); Likely benign (1). Last evaluated 2022-03-04.

Conditions:
Cardiovascular phenotype. Identifiers: MedGen CN230736.
Myofibrillar myopathy 4. Also called: Zaspopathy (type). Identifiers: Orphanet 98912, MedGen C4721886, MONDO:0012277, OMIM 609452.

Allele frequency attached by ClinVar (database versions not stated): ExAC 0.00001.

Submissions (2):

Labcorp Genetics (formerly Invitae), Labcorp
Classification: Likely benign for Myofibrillar myopathy 4. Last evaluated: 2022-03-04. Review status: criteria provided, single submitter. Criteria: Invitae Variant Classification Sherloc (09022015). Collection method: clinical testing. Allele origin: germline.

Ambry Genetics
Classification: Uncertain significance for Cardiovascular phenotype. Last evaluated: 2021-12-16. Review status: criteria provided, single submitter. Criteria: Ambry Variant Classification Scheme 2023. Collection method: clinical testing. Allele origin: germline.
Comment: The p.P140A variant (also known as c.418C>G), located in coding exon 4 of the LDB3 gene, results from a C to G substitution at nucleotide position 418. The proline at codon 140 is replaced by alanine, an amino acid with highly similar properties. This amino acid position is conserved. In addition, this alteration is predicted to be tolerated by in silico analysis. Since supporting evidence is limited at this time, the clinical significance of this alteration remains unclear.

NM_007078.3(LDB3):c.418C>G (p.Pro140Ala)

Gene: LDB3 (LIM domain binding 3; plus strand). Cytogenetic location: 10q23.2.
Variant type: single nucleotide variant.
Coding change: c.418C>G on transcript NM_007078.3 (MANE Select); coding-DNA position 418, C replaced by G.
Protein change: p.Pro140Ala; replaces proline 140 with alanine.
Molecular consequence: missense variant. On other transcripts: intron variant (5).
Genome position (GRCh38, 1-based): chr10:86,681,532, C>G. VCF-style: chr10-86681532-C-G. GRCh37 (hg19) VCF-style: chr10-88441289-C-G.
Other names: c.418C>G, p.Pro140Ala (NM_001080115.2, NM_001171610.2, NM_001171611.2 and 3 more transcripts); c.321+1375C>G (NM_001368068.1, NM_001368066.1, NM_001080114.2 and 2 more transcripts); short protein forms P140A.
Identifiers: ClinVar variation 1738557 (VCV001738557.7), dbSNP rs762234555, ClinGen allele CA5584700.
Genomic context (GRCh38, chr10:86,681,532, plus strand): 5'-CCCAGCCCCAGCCCTGAGGCGAGGGCCAGCCCAGGCACCCCAGGCACCCCGGAGCTCAGG[C>G]CCACCTTTAGCCCTGCCTTCTCCCGGCCCTCCGCCTTCTCCTCACTCGCCGAGGCCTCTG-3'
Protein context (NP_009009.1, residues 130-150): PGTPGTPELR[Pro140Ala]TFSPAFSRPS